The following is an entry in ClinVar:

ClinVar aggregate classification (germline): Uncertain significance (1 of 4 stars; one submission).

gnomAD v4.1: 2 of 1,609,862 alleles (0.00012%); highest among the groups gnomAD compares: South Asian, 0.0011%; no homozygotes.

Submission:

Labcorp Genetics (formerly Invitae), Labcorp
Classification: Uncertain significance. Last evaluated: 2025-06-02. Review status: criteria provided, single submitter. Criteria: Invitae Variant Classification Sherloc (09022015). Collection method: clinical testing. Allele origin: germline.
Comment: This sequence change replaces valine, which is neutral and non-polar, with alanine, which is neutral and non-polar, at codon 125 of the REN protein (p.Val125Ala). This variant is present in population databases (no rsID available, gnomAD 0.003%). This variant has not been reported in the literature in individuals affected with REN-related conditions. An algorithm developed to predict the effect of missense changes on protein structure and function (PolyPhen-2) suggests that this variant is likely to be tolerated. In summary, the available evidence is currently insufficient to determine the role of this variant in disease. Therefore, it has been classified as a Variant of Uncertain Significance.

NM_000537.4(REN):c.374T>C (p.Val125Ala)

Gene: REN (renin; minus strand). Cytogenetic location: 1q32.1.
Variant type: single nucleotide variant.
Coding change: c.374T>C on transcript NM_000537.4 (MANE Select); coding-DNA position 374, T replaced by C.
Protein change: p.Val125Ala; replaces valine 125 with alanine.
Molecular consequence: missense variant.
Genome position (GRCh38, 1-based): chr1:204,160,678, A>G on the plus strand (T>C on the coding strand, the complement: REN is on the minus strand). VCF-style: chr1-204160678-A-G. GRCh37 (hg19) VCF-style: chr1-204129806-A-G.
Other names: short protein forms V125A.
Identifiers: ClinVar variation 4763021 (VCV004763021.1).